The following is an entry in ClinVar:

NM_007294.4(BRCA1):c.3153T>C (p.Thr1051=)

Gene: BRCA1 (BRCA1 DNA repair associated; minus strand). Cytogenetic location: 17q21.31.
Variant type: single nucleotide variant.
Coding change: c.3153T>C on transcript NM_007294.4 (MANE Select); coding-DNA position 3153, T replaced by C.
Protein change: p.Thr1051=; no amino-acid change (threonine 1051 retained).
Molecular consequence: synonymous variant. On other transcripts: intron variant (137).
Genome position (GRCh38, 1-based): chr17:43,092,378, A>G on the plus strand (T>C on the coding strand, the complement: BRCA1 is on the minus strand). VCF-style: chr17-43092378-A-G. GRCh37 (hg19) VCF-style: chr17-41244395-A-G.
Other names: c.2940T>C, p.Thr980= (NM_001407571.1, NM_001407853.1, NM_001407894.1 and 9 more transcripts); c.3153T>C, p.Thr1051= (NM_001407581.1, NM_001407582.1, NM_001407583.1 and 30 more transcripts); c.3150T>C, p.Thr1050= (NM_001407587.1, NM_001407590.1, NM_001407591.1 and 22 more transcripts); c.3144T>C, p.Thr1048= (NM_001407646.1, NM_001407647.1); c.3030T>C, p.Thr1010= (NM_001407648.1, NM_001407664.1, NM_001407665.1 and 19 more transcripts); c.3027T>C, p.Thr1009= (NM_001407649.1, NM_001407670.1, NM_001407671.1 and 11 more transcripts); c.3075T>C, p.Thr1025= (NM_001407653.1, NM_001407654.1, NM_001407655.1 and 4 more transcripts); c.3072T>C, p.Thr1024= (NM_001407659.1, NM_001407660.1, NM_001407661.1 and 1 more transcripts); and 41 more.
Identifiers: ClinVar variation 381500 (VCV000381500.62), dbSNP rs1057521053, ClinGen allele CA16607269.

ClinVar aggregate classification (germline): Likely benign. Review status: reviewed by expert panel (3 of 4 stars). 10 submissions from 10 submitters: Likely benign (1). 9 of the submissions do not count toward it. Last evaluated 2017-06-29.

Conditions:
Hereditary breast ovarian cancer syndrome. Also called: Hereditary breast and ovarian cancer syndrome; Hereditary breast and/or ovarian cancer syndrome; Hereditary breast and ovarian cancer; Breast and ovarian cancer; BRCA1- and BRCA2-Associated Hereditary Breast and Ovarian Cancer; Hereditary breast and ovarian cancer syndrome (HBOC). Identifiers: Orphanet 145, MedGen C0677776, MeSH D061325, MONDO:0003582. Disease mechanism: loss of function.
Breast and/or ovarian cancer. Identifiers: MedGen CN221562.
Hereditary cancer-predisposing syndrome. Also called: Neoplastic Syndromes, Hereditary; Hereditary neoplastic syndrome; Tumor predisposition; Hereditary Cancer Syndrome. Identifiers: Orphanet 140162, MedGen C0027672, MeSH D009386, MONDO:0015356.
Breast-ovarian cancer, familial, susceptibility to, 1 (BROVCA1). Also called: OVARIAN CANCER, SUSCEPTIBILITY TO; BRCA1 Hereditary Breast and Ovarian Cancer. Identifiers: Orphanet 145, MedGen C2676676, MONDO:0011450, OMIM 604370. Disease mechanism: loss of function.

Allele frequency attached by ClinVar (database versions not stated): TOPMed below 0.00001; gnomAD exomes 0.00001.
gnomAD v4.1: 8 of 1,613,898 alleles (0.0005%); highest among the groups gnomAD compares: Non-Finnish European, 0.00068%; no homozygotes.

Submissions (10):

Evidence-based Network for the Interpretation of Germline Mutant Alleles (ENIGMA)
Classification: Likely benign for Breast-ovarian cancer, familial, susceptibility to, 1. Last evaluated: 2017-06-29. Review status: reviewed by expert panel. Criteria: ENIGMA BRCA1/2 Classification Criteria (2017-06-29). Collection method: curation. Allele origin: germline.
Comment: Synonymous substitution variant, with low bioinformatic likelihood to result in a splicing aberration (Splicing prior probability 0.02).

Labcorp Genetics (formerly Invitae), Labcorp
Classification: Likely benign for Hereditary breast ovarian cancer syndrome. Last evaluated: 2025-02-19. Review status: criteria provided, single submitter. Criteria: Invitae Variant Classification Sherloc (09022015). Collection method: clinical testing. Allele origin: germline. Not counted in ClinVar's aggregate classification.

All of Us Research Program, National Institutes of Health
Classification: Likely benign for Breast-ovarian cancer, familial, susceptibility to, 1. Last evaluated: 2023-08-08. Review status: criteria provided, single submitter. Criteria: ACMG Guidelines, 2015. Collection method: clinical testing. Allele origin: germline. Inheritance: Autosomal dominant inheritance. Observed: 2 variant alleles, 2 heterozygotes. Not counted in ClinVar's aggregate classification.
Comment: This study involves interpretation of variants in research participants for the purpose of population health screening. Participant phenotype was not available at the time of variant classification. Additional details can be found in publication PMID: 35346344, PMCID: PMC8962531

Quest Diagnostics Nichols Institute San Juan Capistrano
Classification: Likely benign. Last evaluated: 2023-07-05. Review status: criteria provided, single submitter. Criteria: Quest Diagnostics criteria. Collection method: clinical testing. Allele origin: unknown. Not counted in ClinVar's aggregate classification.

CeGaT Center for Human Genetics Tuebingen
Classification: Likely benign. Last evaluated: 2022-11-01. Review status: criteria provided, single submitter. Criteria: CeGaT Center For Human Genetics Tuebingen Variant Classification Criteria Version 2. Collection method: clinical testing. Allele origin: germline. Affected: yes. Observed: 1 variant allele. Not counted in ClinVar's aggregate classification.
Comment: BRCA1: PM2:Supporting, BP4, BP7

CHEO Genetics Diagnostic Laboratory, Children's Hospital of Eastern Ontario
Classification: Likely benign for Breast and/or ovarian cancer. Last evaluated: 2022-02-15. Review status: criteria provided, single submitter. Criteria: ACMG Guidelines, 2015. Collection method: clinical testing. Allele origin: germline. Not counted in ClinVar's aggregate classification.

GeneDx
Classification: Likely benign. Last evaluated: 2018-03-07. Review status: criteria provided, single submitter. Criteria: GeneDx Variant Classification (06012015). Collection method: clinical testing. Allele origin: germline. Affected: yes. Not counted in ClinVar's aggregate classification.
Comment: This variant is considered likely benign or benign based on one or more of the following criteria: it is a conservative change, it occurs at a poorly conserved position in the protein, it is predicted to be benign by multiple in silico algorithms, and/or has population frequency not consistent with disease.

Color Diagnostics, LLC DBA Color Health
Classification: Likely benign for Hereditary cancer-predisposing syndrome. Last evaluated: 2017-10-23. Review status: criteria provided, single submitter. Criteria: ACMG Guidelines, 2015. Collection method: clinical testing. Allele origin: germline. Not counted in ClinVar's aggregate classification.

Ambry Genetics
Classification: Likely benign for Hereditary cancer-predisposing syndrome. Last evaluated: 2016-01-12. Review status: criteria provided, single submitter. Criteria: Ambry Variant Classification Scheme 2023. Collection method: clinical testing. Allele origin: germline. Not counted in ClinVar's aggregate classification.

True Health Diagnostics
Classification: Likely benign for Hereditary cancer-predisposing syndrome. Last evaluated: 2017-06-23. Review status: no assertion criteria provided. Collection method: clinical testing. Allele origin: germline. Not counted in ClinVar's aggregate classification.